The following is an entry in ClinVar:

ClinVar aggregate classification (germline): Uncertain significance. Review status: criteria provided, multiple submitters, no conflicts (2 of 4 stars). 2 submissions from 2 submitters: Uncertain significance (2). Last evaluated 2024-10-07.

Conditions:
Osteogenesis imperfecta type I (OI1). Also called: OI, TYPE I; OSTEOGENESIS IMPERFECTA TARDA; OSTEOGENESIS IMPERFECTA WITH BLUE SCLERAE; Osteogenesis imperfecta type 1; Lobstein's Disease; Lobstein disease. Identifiers: Orphanet 216796, Orphanet 666, MedGen C0023931, MONDO:0008146, OMIM 166200. Disease mechanism: loss of function.
Ehlers-Danlos syndrome, classic type, 1 (EDSCL1). Also called: EHLERS-DANLOS SYNDROME, GRAVIS TYPE; EHLERS-DANLOS SYNDROME, SEVERE CLASSIC TYPE; Ehlers-Danlos syndrome, type 1; EDS I; Ehlers-Danlos Syndrome, Classic Type, COL5A1-Related. Identifiers: MedGen C0268335, MONDO:0019567, OMIM 130000.

Submissions (2):

Labcorp Genetics (formerly Invitae), Labcorp
Classification: Uncertain significance for Osteogenesis imperfecta type I; Ehlers-Danlos syndrome, classic type, 1. Last evaluated: 2024-10-07. Review status: criteria provided, single submitter. Criteria: Invitae Variant Classification Sherloc (09022015). Collection method: clinical testing. Allele origin: germline.
Comment: This sequence change replaces histidine, which is basic and polar, with tyrosine, which is neutral and polar, at codon 944 of the COL1A2 protein (p.His944Tyr). This variant is present in population databases (no rsID available, gnomAD 0.007%). This variant has not been reported in the literature in individuals affected with COL1A2-related conditions. ClinVar contains an entry for this variant (Variation ID: 1309894). Invitae Evidence Modeling of protein sequence and biophysical properties (such as structural, functional, and spatial information, amino acid conservation, physicochemical variation, residue mobility, and thermodynamic stability) indicates that this missense variant is not expected to disrupt COL1A2 protein function with a negative predictive value of 95%. In summary, the available evidence is currently insufficient to determine the role of this variant in disease. Therefore, it has been classified as a Variant of Uncertain Significance.

GeneDx
Classification: Uncertain significance. Last evaluated: 2020-05-14. Review status: criteria provided, single submitter. Criteria: GeneDx Variant Classification Process June 2021. Collection method: clinical testing. Allele origin: germline. Affected: yes.
Comment: Not observed at a significant frequency in large population cohorts (Lek et al., 2016); In silico analysis, which includes protein predictors and evolutionary conservation, supports that this variant does not alter protein structure/function; Has not been previously published as pathogenic or benign to our knowledge; Occurs at a non-Glycine residue within the collagen triple-helical region containing Gly-X-Y repeats, however, substitutions of Glycine residues in these Gly-X-Y motifs within the triple helical regions of the protein represent the vast majority of pathogenic missense variants (Stenson et al., 2014)

NM_000089.4(COL1A2):c.2830C>T (p.His944Tyr)

Gene: COL1A2 (collagen type I alpha 2 chain; plus strand). Cytogenetic location: 7q21.3.
Variant type: single nucleotide variant.
Coding change: c.2830C>T on transcript NM_000089.4 (MANE Select); coding-DNA position 2830, C replaced by T.
Protein change: p.His944Tyr; replaces histidine 944 with tyrosine.
Molecular consequence: missense variant.
Genome position (GRCh38, 1-based): chr7:94,425,658, C>T. VCF-style: chr7-94425658-C-T. GRCh37 (hg19) VCF-style: chr7-94054970-C-T.
Other names: short protein forms H944Y.
Identifiers: ClinVar variation 1309894 (VCV001309894.8), dbSNP rs1476399806, ClinGen allele CA368224705.